The following is an entry in ClinVar:

ClinVar aggregate classification (germline): Uncertain significance (1 of 4 stars; one submission).

Allele frequency attached by ClinVar (database versions not stated): TOPMed 0.00003; ExAC 0.00004; ESP Exome Variant Server 0.00008.
gnomAD v4.1: 30 of 1,613,508 alleles (0.0019%); highest among the groups gnomAD compares: Admixed American, 0.0067%; no homozygotes.

Submission:

Labcorp Genetics (formerly Invitae), Labcorp
Classification: Uncertain significance. Last evaluated: 2025-12-18. Review status: criteria provided, single submitter. Criteria: Invitae Variant Classification Sherloc (09022015). Collection method: clinical testing. Allele origin: germline.
Comment: This sequence change replaces alanine, which is neutral and non-polar, with glycine, which is neutral and non-polar, at codon 93 of the DCHS1 protein (p.Ala93Gly). This variant is present in population databases (rs369328867, gnomAD 0.07%). This variant has not been reported in the literature in individuals affected with DCHS1-related conditions. ClinVar contains an entry for this variant (Variation ID: 2716724). Invitae Evidence Modeling of protein sequence and biophysical properties (such as structural, functional, and spatial information, amino acid conservation, physicochemical variation, residue mobility, and thermodynamic stability) indicates that this missense variant is not expected to disrupt DCHS1 protein function with a negative predictive value of 80%. In summary, the available evidence is currently insufficient to determine the role of this variant in disease. Therefore, it has been classified as a Variant of Uncertain Significance.

NM_003737.4(DCHS1):c.278C>G (p.Ala93Gly)

Gene: DCHS1 (dachsous cadherin-related 1; minus strand). Cytogenetic location: 11p15.4.
Variant type: single nucleotide variant.
Coding change: c.278C>G on transcript NM_003737.4 (MANE Select); coding-DNA position 278, C replaced by G.
Protein change: p.Ala93Gly; replaces alanine 93 with glycine.
Molecular consequence: missense variant.
Genome position (GRCh38, 1-based): chr11:6,641,336, G>C on the plus strand (C>G on the coding strand, the complement: DCHS1 is on the minus strand). VCF-style: chr11-6641336-G-C. GRCh37 (hg19) VCF-style: chr11-6662567-G-C.
Other names: short protein forms A93G.
Identifiers: ClinVar variation 2716724 (VCV002716724.3), dbSNP rs369328867, ClinGen allele CA5861182.